The following is an entry in ClinVar:

NM_170601.5(SIAE):c.321C>G (p.Asn107Lys)

Gene: SIAE (sialic acid acetylesterase; minus strand). Cytogenetic location: 11q24.2.
Variant type: single nucleotide variant.
Coding change: c.321C>G on transcript NM_170601.5 (MANE Select); coding-DNA position 321, C replaced by G.
Protein change: p.Asn107Lys; replaces asparagine 107 with lysine.
Molecular consequence: missense variant.
Genome position (GRCh38, 1-based): chr11:124,660,712, G>C on the plus strand (C>G on the coding strand, the complement: SIAE is on the minus strand). VCF-style: chr11-124660712-G-C. GRCh37 (hg19) VCF-style: chr11-124530608-G-C.
Other names: c.216C>G, p.Asn72Lys (NM_001199922.2); short protein forms N72K, N107K.
Identifiers: ClinVar variation 1350398 (VCV001350398.6), dbSNP rs139242761, ClinGen allele CA6341584.

ClinVar aggregate classification (germline): Uncertain significance (1 of 4 stars; one submission).

Allele frequency attached by ClinVar (database versions not stated): gnomAD exomes 0.00010 and 0.00024; ExAC 0.00011; TOPMed 0.00012; gnomAD 0.00014 and 0.00015; ESP Exome Variant Server 0.00031.
gnomAD v4.1: 379 of 1,614,056 alleles (0.023%); highest among the groups gnomAD compares: Non-Finnish European, 0.03%; 1 homozygote.

Submission:

Labcorp Genetics (formerly Invitae), Labcorp
Classification: Uncertain significance. Last evaluated: 2026-01-06. Review status: criteria provided, single submitter. Criteria: Invitae Variant Classification Sherloc (09022015). Collection method: clinical testing. Allele origin: germline.
Comment: This sequence change replaces asparagine, which is neutral and polar, with lysine, which is basic and polar, at codon 107 of the SIAE protein (p.Asn107Lys). This variant is present in population databases (rs139242761, gnomAD 0.02%). This variant has not been reported in the literature in individuals affected with SIAE-related conditions. ClinVar contains an entry for this variant (Variation ID: 1350398). An algorithm developed to predict the effect of missense changes on protein structure and function (PolyPhen-2) suggests that this variant is likely to be tolerated. In summary, the available evidence is currently insufficient to determine the role of this variant in disease. Therefore, it has been classified as a Variant of Uncertain Significance.